The following is an entry in ClinVar:

ClinVar aggregate classification (germline): Pathogenic (1 of 4 stars; one submission).

Submission:

GeneDx
Classification: Pathogenic. Last evaluated: 2019-12-09. Review status: criteria provided, single submitter. Criteria: GeneDx Variant Classification Process June 2021. Collection method: clinical testing. Allele origin: germline. Affected: yes.
Comment: Nonsense variant predicted to result in protein truncation or nonsense mediated decay in a gene for which loss-of-function is a known mechanism of disease; Not observed in large population cohorts (Lek et al., 2016); This variant is associated with the following publications: (PMID: 30719864)

NM_022455.5(NSD1):c.5036C>G (p.Ser1679Ter)

Gene: NSD1 (nuclear receptor binding SET domain protein 1; plus strand). Cytogenetic location: 5q35.3.
Variant type: single nucleotide variant.
Coding change: c.5036C>G on transcript NM_022455.5 (MANE Select); coding-DNA position 5036, C replaced by G.
Protein change: p.Ser1679Ter; replaces serine 1679 with a stop codon.
Molecular consequence: nonsense.
Genome position (GRCh38, 1-based): chr5:177,260,058, C>G. VCF-style: chr5-177260058-C-G. GRCh37 (hg19) VCF-style: chr5-176687059-C-G.
Other names: c.4163C>G, p.Ser1388Ter (NM_001365684.2, NM_001409308.1, NM_001409309.1 and 1 more transcripts); c.5036C>G, p.Ser1679Ter (NM_001409301.1, NM_001409302.1, NM_001409303.1); c.4616C>G, p.Ser1539Ter (NM_001409304.1); c.4283C>G, p.Ser1428Ter (NM_001409305.1); c.4274C>G, p.Ser1425Ter (NM_001409306.1, NM_001409307.1); short protein forms S1679*, S1410*, S1425*, S1388*, S1428*, S1539*.
Identifiers: ClinVar variation 423035 (VCV000423035.4), dbSNP rs1064796184, ClinGen allele CA16618178.